The following is an entry in ClinVar:

ClinVar aggregate classification (germline): Uncertain significance (1 of 4 stars; one submission).

Submission:

CeGaT Center for Human Genetics Tuebingen
Classification: Uncertain significance. Last evaluated: 2025-06-01. Review status: criteria provided, single submitter. Criteria: CeGaT Center For Human Genetics Tuebingen Variant Classification Criteria Version 2. Collection method: clinical testing. Allele origin: germline. Affected: yes. Observed: 1 variant allele.
Comment: POU3F3: PM2, PM1:Supporting, PP2

NM_006236.3(POU3F3):c.955T>C (p.Ser319Pro)

Gene: POU3F3 (POU class 3 homeobox 3; plus strand). Cytogenetic location: 2q12.1.
Variant type: single nucleotide variant.
Coding change: c.955T>C on transcript NM_006236.3 (MANE Select); coding-DNA position 955, T replaced by C.
Protein change: p.Ser319Pro; replaces serine 319 with proline.
Molecular consequence: missense variant.
Genome position (GRCh38, 1-based): chr2:104,856,465, T>C. VCF-style: chr2-104856465-T-C. GRCh37 (hg19) VCF-style: chr2-105472923-T-C.
Other names: short protein forms S319P.
Identifiers: ClinVar variation 3906060 (VCV003906060.10).
Genomic context (GRCh38, chr2:104,856,465, plus strand): 5'-GGCGGCGCGGGGCCTGGACTCAACAGCCACGACCCGCACTCGGACGAGGACACGCCGACG[T>C]CGGACGACCTGGAGCAGTTCGCCAAGCAGTTCAAGCAGCGGCGCATCAAGCTGGGCTTCA-3'
Protein context (NP_006227.1, residues 309-329): DPHSDEDTPT[Ser319Pro]DDLEQFAKQF